The following is an entry in ClinVar:

ClinVar aggregate classification (germline): Uncertain significance (1 of 4 stars; one submission).

Conditions:
Hereditary cancer-predisposing syndrome. Also called: Hereditary neoplastic syndrome; Neoplastic Syndromes, Hereditary; Hereditary Cancer Syndrome; Tumor predisposition. Identifiers: Orphanet 140162, MedGen C0027672, MeSH D009386, MONDO:0015356.

Allele frequency attached by ClinVar (database versions not stated): gnomAD exomes below 0.00001.

Submission:

Labcorp Genetics (formerly Invitae), Labcorp
Classification: Uncertain significance for Hereditary cancer-predisposing syndrome. Last evaluated: 2018-11-22. Review status: criteria provided, single submitter. Criteria: Invitae Variant Classification Sherloc (09022015). Collection method: clinical testing. Allele origin: germline.
Comment: This sequence change replaces threonine with isoleucine at codon 1010 of the RAD50 protein (p.Thr1010Ile). The threonine residue is moderately conserved and there is a moderate physicochemical difference between threonine and isoleucine. This variant is not present in population databases (ExAC no frequency). This variant has not been reported in the literature in individuals with RAD50-related conditions. Algorithms developed to predict the effect of missense changes on protein structure and function (SIFT, PolyPhen-2, Align-GVGD) all suggest that this variant is likely to be tolerated, but these predictions have not been confirmed by published functional studies and their clinical significance is uncertain. In summary, the available evidence is currently insufficient to determine the role of this variant in disease. Therefore, it has been classified as a Variant of Uncertain Significance.

NM_005732.4(RAD50):c.3029C>T (p.Thr1010Ile)

Gene: RAD50 (RAD50 double strand break repair protein; plus strand). Cytogenetic location: 5q31.1.
Variant type: single nucleotide variant.
Coding change: c.3029C>T on transcript NM_005732.4 (MANE Select); coding-DNA position 3029, C replaced by T.
Protein change: p.Thr1010Ile; replaces threonine 1010 with isoleucine.
Molecular consequence: missense variant.
Genome position (GRCh38, 1-based): chr5:132,609,389, C>T. VCF-style: chr5-132609389-C-T. GRCh37 (hg19) VCF-style: chr5-131945081-C-T.
Other names: short protein forms T1010I.
Identifiers: ClinVar variation 657690 (VCV000657690.1), dbSNP rs1581004991, ClinGen allele CA360961085.